The following is an entry in ClinVar:

ClinVar aggregate classification (germline): Likely benign (0 of 4 stars; one submission).

Conditions:
INO80-related disorder. Also called: INO80-related condition.

Allele frequency attached by ClinVar (database versions not stated): ExAC 0.00004; gnomAD 0.00018; TOPMed 0.00020; ESP Exome Variant Server 0.00023; 1000 Genomes Project 0.00040; 1000 Genomes Project 30x 0.00047.
gnomAD v4.1: 95 of 1,612,410 alleles (0.0059%); highest among the groups gnomAD compares: African/African-American, 0.077%; no homozygotes.

Submission:

PreventionGenetics, part of Exact Sciences
Classification: Likely benign for INO80-related condition. Last evaluated: 2023-06-08. Review status: no assertion criteria provided. Collection method: clinical testing. Allele origin: germline.
Comment: This variant is classified as likely benign based on ACMG/AMP sequence variant interpretation guidelines (Richards et al. 2015 PMID: 25741868, with internal and published modifications).

NM_017553.3(INO80):c.4218C>T (p.Ser1406=)

Gene: INO80 (INO80 complex ATPase subunit; minus strand). Cytogenetic location: 15q15.1.
Variant type: single nucleotide variant.
Coding change: c.4218C>T on transcript NM_017553.3 (MANE Select); coding-DNA position 4218, C replaced by T.
Protein change: p.Ser1406=; no amino-acid change (serine 1406 retained).
Molecular consequence: synonymous variant. On other transcripts: non-coding transcript variant (1).
Genome position (GRCh38, 1-based): chr15:40,983,781, G>A on the plus strand (C>T on the coding strand, the complement: INO80 is on the minus strand). VCF-style: chr15-40983781-G-A. GRCh37 (hg19) VCF-style: chr15-41275979-G-A.
Identifiers: ClinVar variation 3048948 (VCV003048948.2), dbSNP rs139570772, ClinGen allele CA7488508.